The following is an entry in ClinVar:

NM_181332.3(NLGN4X):c.205C>T (p.Pro69Ser)

Gene: NLGN4X (neuroligin 4 X-linked; minus strand). Cytogenetic location: Xp22.31.
Variant type: single nucleotide variant.
Coding change: c.205C>T on transcript NM_181332.3 (MANE Select); coding-DNA position 205, C replaced by T.
Protein change: p.Pro69Ser; replaces proline 69 with serine.
Molecular consequence: missense variant.
Genome position (GRCh38, 1-based): chrX:6,151,262, G>A on the plus strand (C>T on the coding strand, the complement: NLGN4X is on the minus strand). VCF-style: chrX-6151262-G-A. GRCh37 (hg19) VCF-style: chrX-6069303-G-A.
Other names: c.205C>T, p.Pro69Ser (NM_001282145.2, NM_001282146.2, NM_020742.4); short protein forms P69S.
Identifiers: ClinVar variation 1684957 (VCV001684957.3), dbSNP rs915922545, ClinGen allele CA326330652.

ClinVar aggregate classification (germline): Uncertain significance. Review status: criteria provided, multiple submitters, no conflicts (2 of 4 stars). 2 submissions from 2 submitters: Uncertain significance (2). Last evaluated 2022-08-12.

Allele frequency attached by ClinVar (database versions not stated): gnomAD exomes 0.00002.

Submissions (2):

GeneDx
Classification: Uncertain significance. Last evaluated: 2022-08-12. Review status: criteria provided, single submitter. Criteria: GeneDx Variant Classification Process June 2021. Collection method: clinical testing. Allele origin: germline. Affected: yes.
Comment: Not observed at significant frequency in large population cohorts (gnomAD); In silico analysis supports that this missense variant has a deleterious effect on protein structure/function; Has not been previously published as pathogenic or benign to our knowledge

Mendelics
Classification: Uncertain significance. Last evaluated: 2022-05-04. Review status: criteria provided, single submitter. Criteria: Mendelics Assertion Criteria 2019. Collection method: clinical testing. Allele origin: germline.